The following is an entry in ClinVar:

NM_000038.6(APC):c.1763T>C (p.Val588Ala)

Gene: APC (APC regulator of Wnt signaling pathway; plus strand). Cytogenetic location: 5q22.2.
Variant type: single nucleotide variant.
Coding change: c.1763T>C on transcript NM_000038.6 (MANE Select); coding-DNA position 1763, T replaced by C.
Protein change: p.Val588Ala; replaces valine 588 with alanine.
Molecular consequence: missense variant.
Genome position (GRCh38, 1-based): chr5:112,834,970, T>C. VCF-style: chr5-112834970-T-C. GRCh37 (hg19) VCF-style: chr5-112170667-T-C.
Other names: c.1763T>C, p.Val588Ala (NM_001127510.3, NM_001354895.2); c.1709T>C, p.Val570Ala (NM_001127511.3); c.1817T>C, p.Val606Ala (NM_001354896.2); c.1793T>C, p.Val598Ala (NM_001354897.2); c.1688T>C, p.Val563Ala (NM_001354898.2); c.1679T>C, p.Val560Ala (NM_001354899.2); c.1640T>C, p.Val547Ala (NM_001354900.2); c.1586T>C, p.Val529Ala (NM_001354901.2); and 5 more; short protein forms V570A, V588A, V305A, V497A, V560A, V563A, V529A, V547A.
Identifiers: ClinVar variation 411560 (VCV000411560.11), dbSNP rs1060503374, ClinGen allele CA16025170.

ClinVar aggregate classification (germline): Uncertain significance (1 of 4 stars; one submission).

Conditions:
Familial adenomatous polyposis 1 (FAP1). Also called: FAMILIAL ADENOMATOUS POLYPOSIS 1, ATTENUATED; POLYPOSIS, ADENOMATOUS INTESTINAL. Identifiers: MedGen C2713442, MONDO:0021056, OMIM 175100. Disease mechanism: loss of function.

Submission:

Labcorp Genetics (formerly Invitae), Labcorp
Classification: Uncertain significance for Familial adenomatous polyposis 1. Last evaluated: 2022-11-01. Review status: criteria provided, single submitter. Criteria: Invitae Variant Classification Sherloc (09022015). Collection method: clinical testing. Allele origin: germline.
Comment: This sequence change replaces valine, which is neutral and non-polar, with alanine, which is neutral and non-polar, at codon 588 of the APC protein (p.Val588Ala). This variant is not present in population databases (gnomAD no frequency). This variant has not been reported in the literature in individuals affected with APC-related conditions. ClinVar contains an entry for this variant (Variation ID: 411560). Advanced modeling of protein sequence and biophysical properties (such as structural, functional, and spatial information, amino acid conservation, physicochemical variation, residue mobility, and thermodynamic stability) performed at Invitae indicates that this missense variant is not expected to disrupt APC protein function. In summary, the available evidence is currently insufficient to determine the role of this variant in disease. Therefore, it has been classified as a Variant of Uncertain Significance.